The following is an entry in ClinVar:

ClinVar aggregate classification (germline): Likely benign. Review status: criteria provided, multiple submitters, no conflicts (2 of 4 stars). 8 submissions from 8 submitters: Likely benign (4). 4 of the submissions do not count toward it. Last evaluated 2026-01-28.

Conditions:
MAN2B1-related disorder. Also called: MAN2B1-related condition.
Deficiency of alpha-mannosidase (MANSA). Also called: Alpha-Mannosidosis; LYSOSOMAL ALPHA-D-MANNOSIDASE DEFICIENCY; Mannosidosis, alpha-, types I and II. Identifiers: Orphanet 61, MedGen C0024748, MONDO:0009561, OMIM 248500.

Allele frequency attached by ClinVar (database versions not stated): gnomAD 0.00005 and 0.00006; TOPMed 0.00006.
gnomAD v4.1: 118 of 1,614,110 alleles (0.0073%); highest among the groups gnomAD compares: Admixed American, 0.2%; 1 homozygote.

Submissions (8):

Labcorp Genetics (formerly Invitae), Labcorp
Classification: Likely benign for Deficiency of alpha-mannosidase. Last evaluated: 2026-01-28. Review status: criteria provided, single submitter. Criteria: Invitae Variant Classification Sherloc (09022015). Collection method: clinical testing. Allele origin: germline.

Women's Health and Genetics/Laboratory Corporation of America, LabCorp
Classification: Likely benign. Last evaluated: 2022-06-22. Review status: criteria provided, single submitter. Criteria: LabCorp Variant Classification Summary - May 2015. Collection method: clinical testing. Allele origin: germline.
Comment: Variant summary: MAN2B1 c.2782G>C (p.Gly928Arg) results in a non-conservative amino acid change located in the glycosyl hydrolases family 38, C-terminal beta sandwich domain (IPR041147) of the encoded protein sequence. Three of five in-silico tools predict a benign effect of the variant on protein function. The variant allele was found at a frequency of 0.00036 in 251214 control chromosomes (gnomAD), predominantly at a frequency of 0.0026 within the Latino subpopulation in the gnomAD database, including 1 homozygote. The observed variant frequency within Latino control individuals in the gnomAD database is approximately 1.64 fold of the estimated maximal expected allele frequency for a pathogenic variant in MAN2B1 causing Alpha-Mannosidosis (0.0016), suggesting that the variant is a benign polymorphism found primarily in populations of Latino origin. To our knowledge, no occurrence of c.2782G>C in individuals affected with Alpha-Mannosidosis and no experimental evidence demonstrating its impact on protein function have been reported. Five clinical diagnostic laboratories have submitted clinical-significance assessments for this variant to ClinVar after 2014 without evidence for independent evaluation. Three laboratories classified the variant as likely benign, one as benign, and one as VUS. Based on the evidence outlined above, the variant was classified as likely benign.

Genome-Nilou Lab
Classification: Likely benign for Deficiency of alpha-mannosidase. Last evaluated: 2021-09-05. Review status: criteria provided, single submitter. Criteria: ACMG Guidelines, 2015. Collection method: clinical testing. Allele origin: germline. Affected: no.

Eurofins Ntd Llc (ga)
Classification: Likely benign. Last evaluated: 2016-04-18. Review status: criteria provided, single submitter. Criteria: EGL Classification Definitions 2015. Collection method: clinical testing. Allele origin: germline. Observed: 1 variant allele, 1 heterozygote.

PreventionGenetics, part of Exact Sciences
Classification: Likely benign for MAN2B1-related condition. Last evaluated: 2024-09-25. Review status: no assertion criteria provided. Collection method: clinical testing. Allele origin: germline. Not counted in ClinVar's aggregate classification.
Comment: This variant is classified as likely benign based on ACMG/AMP sequence variant interpretation guidelines (Richards et al. 2015 PMID: 25741868, with internal and published modifications).

Natera, Inc.
Classification: Benign for Alpha-mannosidosis. Last evaluated: 2020-01-28. Review status: no assertion criteria provided. Collection method: clinical testing. Allele origin: germline. Not counted in ClinVar's aggregate classification.

Counsyl
Classification: Uncertain significance for Deficiency of alpha-mannosidase. Last evaluated: 2017-09-28. Review status: no assertion criteria provided. Collection method: clinical testing. Allele origin: unknown. Not counted in ClinVar's aggregate classification.

Baylor Genetics
Classification: Uncertain significance for Deficiency of alpha-mannosidase. Last evaluated: 2014-10-03. Review status: no assertion criteria provided. Collection method: clinical testing. Allele origin: maternal, germline. Inheritance: Autosomal recessive inheritance. Affected: yes. Observed: 10 variant alleles, 9 heterozygotes, 1 compound heterozygote. Not counted in ClinVar's aggregate classification.
Comment: Heterozygotes for the MAN2B1 variants would be expected to be asymptomatic carriers.

Literature cited by the submitters: PubMed 27959697 (cited by Counsyl).

NM_000528.4(MAN2B1):c.2782G>C (p.Gly928Arg)

Gene: MAN2B1 (mannosidase alpha class 2B member 1; minus strand). Cytogenetic location: 19p13.13.
Variant type: single nucleotide variant.
Coding change: c.2782G>C on transcript NM_000528.4 (MANE Select); coding-DNA position 2782, G replaced by C.
Protein change: p.Gly928Arg; replaces glycine 928 with arginine.
Molecular consequence: missense variant.
Genome position (GRCh38, 1-based): chr19:12,647,481, C>G on the plus strand (G>C on the coding strand, the complement: MAN2B1 is on the minus strand). VCF-style: chr19-12647481-C-G. GRCh37 (hg19) VCF-style: chr19-12758295-C-G.
Other names: c.2779G>C, p.Gly927Arg (NM_001173498.2); short protein forms G928R, G927R.
Identifiers: ClinVar variation 287586 (VCV000287586.23), dbSNP rs754733253, ClinGen allele CA9225926.